The following is an entry in ClinVar:

ClinVar aggregate classification (germline): Likely benign. Review status: criteria provided, multiple submitters, no conflicts (2 of 4 stars). 2 submissions from 2 submitters: Likely benign (2). Last evaluated 2023-10-26.

Allele frequency attached by ClinVar (database versions not stated): gnomAD 0.00001; TOPMed 0.00001; ExAC 0.00002; gnomAD exomes 0.00002.
gnomAD v4.1: 15 of 1,614,148 alleles (0.00093%); highest among the groups gnomAD compares: East Asian, 0.031%; no homozygotes.

Submissions (2):

Labcorp Genetics (formerly Invitae), Labcorp
Classification: Likely benign. Last evaluated: 2023-10-26. Review status: criteria provided, single submitter. Criteria: Invitae Variant Classification Sherloc (09022015). Collection method: clinical testing. Allele origin: germline.

GeneDx
Classification: Likely benign. Last evaluated: 2017-09-06. Review status: criteria provided, single submitter. Criteria: GeneDx Variant Classification (06012015). Collection method: clinical testing. Allele origin: germline. Affected: yes.
Comment: This variant is considered likely benign or benign based on one or more of the following criteria: it is a conservative change, it occurs at a poorly conserved position in the protein, it is predicted to be benign by multiple in silico algorithms, and/or has population frequency not consistent with disease.

NM_012208.4(HARS2):c.973C>T (p.Leu325=)

Gene: HARS2 (histidyl-tRNA synthetase 2, mitochondrial; plus strand). Cytogenetic location: 5q31.3.
Variant type: single nucleotide variant.
Coding change: c.973C>T on transcript NM_012208.4 (MANE Select); coding-DNA position 973, C replaced by T.
Protein change: p.Leu325=; no amino-acid change (leucine 325 retained).
Molecular consequence: synonymous variant.
Genome position (GRCh38, 1-based): chr5:140,697,182, C>T. VCF-style: chr5-140697182-C-T. GRCh37 (hg19) VCF-style: chr5-140076767-C-T.
Other names: c.898C>T, p.Leu300= (NM_001278731.2); c.541C>T, p.Leu181= (NM_001278732.2); c.991C>T, p.Leu331= (NM_001363535.2); c.763C>T, p.Leu255= (NM_001363536.2).
Identifiers: ClinVar variation 511703 (VCV000511703.4), dbSNP rs753287745, ClinGen allele CA3444588.